The following is an entry in ClinVar:

ClinVar aggregate classification (germline): Conflicting classifications of pathogenicity. Review status: criteria provided, conflicting classifications (1 of 4 stars). 5 submissions from 5 submitters: Likely pathogenic (3); Uncertain significance (1); Likely benign (1). Last evaluated 2026-04-14.

Conditions:
Benign recurrent intrahepatic cholestasis type 2 (BRIC2). Also called: Recurrent familial intrahepatic cholestasis 2. Identifiers: Orphanet 65682, Orphanet 99961, MedGen C2608083, MONDO:0011559, OMIM 605479.
Progressive familial intrahepatic cholestasis type 2. Identifiers: Orphanet 79304, MedGen C3489789, MONDO:0011156, OMIM 601847.
Familial intrahepatic cholestasis. Identifiers: Orphanet 284385, MedGen CN296401, MONDO:0017290.

Submissions (5):

Genomenon, Inc
Classification: Likely pathogenic for Familial intrahepatic cholestasis. Last evaluated: 2026-04-14. Review status: criteria provided, single submitter. Criteria: Genomenon Sequence Variant Interpretation Standards - Updated. Collection method: curation. Allele origin: germline. Affected: yes.
Comment: ABCB11 c.2418C>T is a synonymous variant that retains Glycine at residue 806. This variant has been observed in at least one proband with an ABCB11-related disorder (PMID:29316097). At least one splicing study has demonstrated that this variant results in aberrant splicing (PMID:29316097). It is absent or not present at a significant frequency in gnomAD. In conclusion, we classify ABCB11 p.Gly806= (c.2418C>T) as a likely pathogenic variant.

Fulgent Genetics
Classification: Likely pathogenic for Progressive familial intrahepatic cholestasis type 2; Benign recurrent intrahepatic cholestasis type 2. Last evaluated: 2024-04-04. Review status: criteria provided, single submitter. Criteria: ACMG Guidelines, 2015. Collection method: clinical testing. Allele origin: germline.

Women's Health and Genetics/Laboratory Corporation of America, LabCorp
Classification: Uncertain significance. Last evaluated: 2024-04-01. Review status: criteria provided, single submitter. Criteria: LabCorp Variant Classification Summary - May 2015. Collection method: clinical testing. Allele origin: germline.
Comment: Variant summary: ABCB11 c.2418C>T alters a conserved nucleotide resulting in a synonymous change. Consensus agreement among computation tools predict no significant impact on normal splicing. At least one publication reports experimental evidence that this variant affects mRNA splicing resulting in exon 20 skipping (Wang_2018). The variant was absent in 204182 control chromosomes. c.2418C>T has been reported in the literature in individuals affected with Familial Intrahepatic Cholestasis (Wang_2018). These data do not allow any conclusion about variant significance. The following publication have been ascertained in the context of this evaluation (PMID: 29316097). ClinVar contains an entry for this variant (Variation ID: 2680273). Based on the evidence outlined above, the variant was classified as VUS-possibly pathogenic.

Labcorp Genetics (formerly Invitae), Labcorp
Classification: Likely benign. Last evaluated: 2023-12-19. Review status: criteria provided, single submitter. Criteria: Invitae Variant Classification Sherloc (09022015). Collection method: clinical testing. Allele origin: germline.

Baylor Genetics
Classification: Likely pathogenic for Benign recurrent intrahepatic cholestasis type 2. Last evaluated: 2023-06-05. Review status: criteria provided, single submitter. Criteria: ACMG Guidelines, 2015. Collection method: clinical testing. Allele origin: unknown.

Literature cited by the submitters: PubMed 29316097 (cited by Genomenon, Inc and Women's Health and Genetics/Laboratory Corporation of America, LabCorp).

NM_003742.4(ABCB11):c.2418C>T (p.Gly806=)

Gene: ABCB11 (ATP binding cassette subfamily B member 11; minus strand). Cytogenetic location: 2q31.1.
Variant type: single nucleotide variant.
Coding change: c.2418C>T on transcript NM_003742.4 (MANE Select); coding-DNA position 2418, C replaced by T.
Protein change: p.Gly806=; no amino-acid change (glycine 806 retained).
Molecular consequence: synonymous variant.
Genome position (GRCh38, 1-based): chr2:168,944,887, G>A on the plus strand (C>T on the coding strand, the complement: ABCB11 is on the minus strand). VCF-style: chr2-168944887-G-A. GRCh37 (hg19) VCF-style: chr2-169801397-G-A.
Identifiers: ClinVar variation 2680273 (VCV002680273.7), dbSNP rs2545299717, ClinGen allele CA429985397.